The following is an entry in ClinVar:

ClinVar aggregate classification (germline): Uncertain significance (1 of 4 stars; one submission).

Submission:

Labcorp Genetics (formerly Invitae), Labcorp
Classification: Uncertain significance. Last evaluated: 2023-03-18. Review status: criteria provided, single submitter. Criteria: Invitae Variant Classification Sherloc (09022015). Collection method: clinical testing. Allele origin: germline.
Comment: This variant has not been reported in the literature in individuals affected with DUOX2-related conditions. This variant is not present in population databases (gnomAD no frequency). This sequence change replaces serine, which is neutral and polar, with proline, which is neutral and non-polar, at codon 1380 of the DUOX2 protein (p.Ser1380Pro). In summary, the available evidence is currently insufficient to determine the role of this variant in disease. Therefore, it has been classified as a Variant of Uncertain Significance. Advanced modeling of protein sequence and biophysical properties (such as structural, functional, and spatial information, amino acid conservation, physicochemical variation, residue mobility, and thermodynamic stability) performed at Invitae indicates that this missense variant is expected to disrupt DUOX2 protein function.

NM_001363711.2(DUOX2):c.4138T>C (p.Ser1380Pro)

Gene: DUOX2 (dual oxidase 2; minus strand). Cytogenetic location: 15q21.1.
Variant type: single nucleotide variant.
Coding change: c.4138T>C on transcript NM_001363711.2 (MANE Select); coding-DNA position 4138, T replaced by C.
Protein change: p.Ser1380Pro; replaces serine 1380 with proline.
Molecular consequence: missense variant.
Genome position (GRCh38, 1-based): chr15:45,095,538, A>G on the plus strand (T>C on the coding strand, the complement: DUOX2 is on the minus strand). VCF-style: chr15-45095538-A-G. GRCh37 (hg19) VCF-style: chr15-45387736-A-G.
Other names: c.4138T>C, p.Ser1380Pro (NM_014080.5); short protein forms S1380P.
Identifiers: ClinVar variation 2888821 (VCV002888821.3), dbSNP rs772129543, ClinGen allele CA392251619.